The following is an entry in ClinVar:

NM_004304.5(ALK):c.3260C>G (p.Thr1087Ser)

Gene: ALK (ALK receptor tyrosine kinase; minus strand). Cytogenetic location: 2p23.2.
Variant type: single nucleotide variant.
Coding change: c.3260C>G on transcript NM_004304.5 (MANE Select); coding-DNA position 3260, C replaced by G.
Protein change: p.Thr1087Ser; replaces threonine 1087 with serine.
Molecular consequence: missense variant.
Genome position (GRCh38, 1-based): chr2:29,223,441, G>C on the plus strand (C>G on the coding strand, the complement: ALK is on the minus strand). VCF-style: chr2-29223441-G-C. GRCh37 (hg19) VCF-style: chr2-29446307-G-C.
Other names: c.56C>G, p.Thr19Ser (NM_001353765.2); short protein forms T1087S, T19S.
Identifiers: ClinVar variation 1000849 (VCV001000849.9), dbSNP rs113994090, ClinGen allele CA346465124.
Genomic context (GRCh38, chr2:29,223,441, plus strand): 5'-TCACTGATGGAGGAGGTCTTGCCAGCAAAGCAGTAGTTGGGGTTGTAGTCGGTCATGATG[G>C]TCGAGGTGCGGAGCTTGCTCAGCTTGTACTCAGGGCTCTGCAGCTCCATCTGCATGGCTT-3'
Protein context (NP_004295.2, residues 1077-1097): EYKLSKLRTS[Thr1087Ser]IMTDYNPNYC

ClinVar aggregate classification (germline): Uncertain significance (1 of 4 stars; one submission).

Conditions:
Neuroblastoma, susceptibility to, 3. Also called: ALK-Related Neuroblastic Tumor Susceptibility. Identifiers: Orphanet 635, MedGen C2751681, MONDO:0013083, OMIM 613014.

Submission:

Labcorp Genetics (formerly Invitae), Labcorp
Classification: Uncertain significance for Neuroblastoma, susceptibility to, 3. Last evaluated: 2020-02-02. Review status: criteria provided, single submitter. Criteria: Invitae Variant Classification Sherloc (09022015). Collection method: clinical testing. Allele origin: germline.
Comment: This sequence change replaces threonine with serine at codon 1087 of the ALK protein (p.Thr1087Ser). The threonine residue is highly conserved and there is a small physicochemical difference between threonine and serine. This variant is not present in population databases (ExAC no frequency). This variant has not been reported in the literature in individuals with ALK-related conditions. Algorithms developed to predict the effect of missense changes on protein structure and function (SIFT, PolyPhen-2, Align-GVGD) all suggest that this variant is likely to be disruptive, but these predictions have not been confirmed by published functional studies and their clinical significance is uncertain. In summary, the available evidence is currently insufficient to determine the role of this variant in disease. Therefore, it has been classified as a Variant of Uncertain Significance.